The following is an entry in ClinVar:

NM_001130009.3(GEN1):c.2579C>G (p.Ala860Gly)

Gene: GEN1 (GEN1 structure-specific endonuclease; plus strand). Cytogenetic location: 2p24.2.
Variant type: single nucleotide variant.
Coding change: c.2579C>G on transcript NM_001130009.3 (MANE Select); coding-DNA position 2579, C replaced by G.
Protein change: p.Ala860Gly; replaces alanine 860 with glycine.
Molecular consequence: missense variant.
Genome position (GRCh38, 1-based): chr2:17,781,791, C>G. VCF-style: chr2-17781791-C-G. GRCh37 (hg19) VCF-style: chr2-17963058-C-G.
Other names: c.2579C>G, p.Ala860Gly (NM_182625.5); short protein forms A860G.
Identifiers: ClinVar variation 3630441 (VCV003630441.2).
Genomic context (GRCh38, chr2:17,781,791, plus strand): 5'-TGAGTAGCCCTAAGATACATATTAAAGAAACTGAACAGTGTGTCAGATCTTATGAAACAG[C>G]TGAAAATGAAGAAAGCTGTTTCCCAGATTCAACAAAAAGTTCTCTGAGTTCTCTACAATG-3'
Protein context (NP_001123481.3, residues 850-870): TEQCVRSYET[Ala860Gly]ENEESCFPDS

ClinVar aggregate classification (germline): Uncertain significance (1 of 4 stars; one submission).

gnomAD v4.1: 2 of 1,612,594 alleles (0.00012%); highest among the groups gnomAD compares: East Asian, 0.0045%; no homozygotes.

Submission:

Labcorp Genetics (formerly Invitae), Labcorp
Classification: Uncertain significance. Last evaluated: 2024-06-20. Review status: criteria provided, single submitter. Criteria: Invitae Variant Classification Sherloc (09022015). Collection method: clinical testing. Allele origin: germline.
Comment: This sequence change replaces alanine, which is neutral and non-polar, with glycine, which is neutral and non-polar, at codon 860 of the GEN1 protein (p.Ala860Gly). This variant is present in population databases (rs779266008, gnomAD 0.02%). This variant has not been reported in the literature in individuals affected with GEN1-related conditions. Algorithms developed to predict the effect of missense changes on protein structure and function output the following: SIFT: "Not Available"; PolyPhen-2: "Benign"; Align-GVGD: "Not Available". The glycine amino acid residue is found in multiple mammalian species, which suggests that this missense change does not adversely affect protein function. In summary, the available evidence is currently insufficient to determine the role of this variant in disease. Therefore, it has been classified as a Variant of Uncertain Significance.